The following is an entry in ClinVar:

NM_001987.5(ETV6):c.496G>T (p.Val166Leu)

Gene: ETV6 (ETS variant transcription factor 6; plus strand). Cytogenetic location: 12p13.2.
Variant type: single nucleotide variant.
Coding change: c.496G>T on transcript NM_001987.5 (MANE Select); coding-DNA position 496, G replaced by T.
Protein change: p.Val166Leu; replaces valine 166 with leucine.
Molecular consequence: missense variant.
Genome position (GRCh38, 1-based): chr12:11,869,456, G>T. VCF-style: chr12-11869456-G-T. GRCh37 (hg19) VCF-style: chr12-12022390-G-T.
Other names: c.493G>T, p.Val165Leu (NM_001413913.1); c.469G>T, p.Val157Leu (NM_001413914.1); c.232G>T, p.Val78Leu (NM_001413915.1); c.496G>T, p.Val166Leu (NM_001413916.1, NM_001413917.1); short protein forms V157L, V165L, V166L, V78L.
Identifiers: ClinVar variation 3766816 (VCV003766816.3).
Genomic context (GRCh38, chr12:11,869,456, plus strand): 5'-TGTGATTGTCTTTCCCTCTGCTCCACAGATAACTGTGTCCAGAGGACCCCCAGGCCATCC[G>T]TGGATAATGTGCACCATAACCCTCCCACCATTGAACTGTTGCACCGCTCCAGGTCACCTA-3'
Protein context (NP_001978.1, residues 156-176): NCVQRTPRPS[Val166Leu]DNVHHNPPTI

ClinVar aggregate classification (germline): Conflicting classifications of pathogenicity. Review status: criteria provided, conflicting classifications (1 of 4 stars). 3 submissions from 3 submitters: Uncertain significance (2); Likely benign (1). Last evaluated 2025-10-29.

Conditions:
Inborn genetic diseases. Identifiers: MedGen C0950123, MeSH D030342.

Submissions (3):

Labcorp Genetics (formerly Invitae), Labcorp
Classification: Uncertain significance. Last evaluated: 2025-10-29. Review status: criteria provided, single submitter. Criteria: Invitae Variant Classification Sherloc (09022015). Collection method: clinical testing. Allele origin: germline.
Comment: This sequence change replaces valine, which is neutral and non-polar, with leucine, which is neutral and non-polar, at codon 166 of the ETV6 protein (p.Val166Leu). This variant is present in population databases (rs142603082, gnomAD 0.007%). This variant has not been reported in the literature in individuals affected with ETV6-related conditions. ClinVar contains an entry for this variant (Variation ID: 3766816). Invitae Evidence Modeling of protein sequence and biophysical properties (such as structural, functional, and spatial information, amino acid conservation, physicochemical variation, residue mobility, and thermodynamic stability) indicates that this missense variant is not expected to disrupt ETV6 protein function with a negative predictive value of 80%. In summary, the available evidence is currently insufficient to determine the role of this variant in disease. Therefore, it has been classified as a Variant of Uncertain Significance.

Ambry Genetics
Classification: Likely benign for Inborn genetic diseases. Last evaluated: 2025-03-18. Review status: criteria provided, single submitter. Criteria: Ambry Variant Classification Scheme 2023. Collection method: clinical testing. Allele origin: germline.

ARUP Laboratories, Molecular Genetics and Genomics, ARUP Laboratories
Classification: Uncertain significance. Last evaluated: 2024-09-05. Review status: criteria provided, single submitter. Criteria: ARUP Molecular Germline Variant Investigation Process 2024. Collection method: clinical testing. Allele origin: germline.
Comment: The ETV6 c.496G>T; p.Val166Leu variant (rs142603082), to our knowledge, is not reported in the medical literature or gene specific databases. This variant is found predominantly in the non-Finnish European population with an allele frequency of 0.007% (8/113186 alleles) in the Genome Aggregation Database (v2.1.1). Computational analyses predict that this variant is neutral (REVEL: 0.07). Due to limited information, the clinical significance of this variant is uncertain at this time.